The following is an entry in ClinVar:

NM_020461.4(TUBGCP6):c.3226C>T (p.Arg1076Trp)

Gene: TUBGCP6 (tubulin gamma complex component 6; minus strand). Cytogenetic location: 22q13.33.
Variant type: single nucleotide variant.
Coding change: c.3226C>T on transcript NM_020461.4 (MANE Select); coding-DNA position 3226, C replaced by T.
Protein change: p.Arg1076Trp; replaces arginine 1076 with tryptophan.
Molecular consequence: missense variant.
Genome position (GRCh38, 1-based): chr22:50,221,133, G>A on the plus strand (C>T on the coding strand, the complement: TUBGCP6 is on the minus strand). VCF-style: chr22-50221133-G-A. GRCh37 (hg19) VCF-style: chr22-50659562-G-A.
Other names: c.3226C>T (NM_020461.3); short protein forms R1076W.
Identifiers: ClinVar variation 1379158 (VCV001379158.7), dbSNP rs779620115, ClinGen allele CA10308015.

ClinVar aggregate classification (germline): Uncertain significance. Review status: criteria provided, multiple submitters, no conflicts (2 of 4 stars). 2 submissions from 2 submitters: Uncertain significance (2). Last evaluated 2025-04-18.

Conditions:
Inborn genetic diseases. Identifiers: MedGen C0950123, MeSH D030342.

Allele frequency attached by ClinVar (database versions not stated): gnomAD 0.00003 and 0.00005; gnomAD exomes 0.00003 and 0.00005; TOPMed 0.00003; ExAC 0.00006.
gnomAD v4.1: 50 of 1,607,534 alleles (0.0031%); highest among the groups gnomAD compares: South Asian, 0.034%; no homozygotes.

Submissions (2):

Ambry Genetics
Classification: Uncertain significance for Inborn genetic diseases. Last evaluated: 2025-04-18. Review status: criteria provided, single submitter. Criteria: Ambry Variant Classification Scheme 2023. Collection method: clinical testing. Allele origin: germline.

Labcorp Genetics (formerly Invitae), Labcorp
Classification: Uncertain significance. Last evaluated: 2023-10-04. Review status: criteria provided, single submitter. Criteria: Invitae Variant Classification Sherloc (09022015). Collection method: clinical testing. Allele origin: germline.
Comment: This sequence change replaces arginine, which is basic and polar, with tryptophan, which is neutral and slightly polar, at codon 1076 of the TUBGCP6 protein (p.Arg1076Trp). This variant is present in population databases (rs779620115, gnomAD 0.03%). This variant has not been reported in the literature in individuals affected with TUBGCP6-related conditions. ClinVar contains an entry for this variant (Variation ID: 1379158). An algorithm developed to predict the effect of missense changes on protein structure and function (PolyPhen-2) suggests that this variant is likely to be disruptive. In summary, the available evidence is currently insufficient to determine the role of this variant in disease. Therefore, it has been classified as a Variant of Uncertain Significance.